The following is an entry in ClinVar:

ClinVar aggregate classification (germline): Likely benign (0 of 4 stars; one submission).

Conditions:
TUB-related disorder. Also called: TUB-related condition.

Submission:

PreventionGenetics, part of Exact Sciences
Classification: Likely benign for TUB-related condition. Last evaluated: 2023-11-06. Review status: no assertion criteria provided. Collection method: clinical testing. Allele origin: germline.
Comment: This variant is classified as likely benign based on ACMG/AMP sequence variant interpretation guidelines (Richards et al. 2015 PMID: 25741868, with internal and published modifications).

NM_177972.3(TUB):c.189G>A (p.Gln63=)

Gene: TUB (TUB bipartite transcription factor; plus strand). Cytogenetic location: 11p15.4.
Variant type: single nucleotide variant.
Coding change: c.189G>A on transcript NM_177972.3 (MANE Select); coding-DNA position 189, G replaced by A.
Protein change: p.Gln63=; no amino-acid change (glutamine 63 retained).
Molecular consequence: synonymous variant.
Genome position (GRCh38, 1-based): chr11:8,090,167, G>A. VCF-style: chr11-8090167-G-A. GRCh37 (hg19) VCF-style: chr11-8111714-G-A.
Other names: c.354G>A, p.Gln118= (NM_003320.5).
Identifiers: ClinVar variation 3349503 (VCV003349503.1).
Genomic context (GRCh38, chr11:8,090,167, plus strand): 5'-GGAGCCCCTGATGGTGCAGGCCAATGCAGATGGGCGGCCCCGGAGCCGGCGGGCCCGGCA[G>A]TCAGAGGAACAAGCCCCCCTGGTGGAGTCCTACCTCAGCAGCAGTGGCAGCACCAGCTAC-3'
Protein context (NP_813977.1, residues 53-73): DGRPRSRRAR[Gln63=]SEEQAPLVES